The following is an entry in ClinVar:

ClinVar aggregate classification (germline): Uncertain significance. Review status: criteria provided, multiple submitters, no conflicts (2 of 4 stars). 2 submissions from 2 submitters: Uncertain significance (2). Last evaluated 2023-10-16.

Conditions:
Inborn genetic diseases. Identifiers: MedGen C0950123, MeSH D030342.

gnomAD v4.1: 15 of 1,614,112 alleles (0.00093%); highest among the groups gnomAD compares: Non-Finnish European, 0.0013%; no homozygotes.

Submissions (2):

Ambry Genetics
Classification: Uncertain significance for Inborn genetic diseases. Last evaluated: 2023-10-16. Review status: criteria provided, single submitter. Criteria: Ambry Variant Classification Scheme 2023. Collection method: clinical testing. Allele origin: germline.

Labcorp Genetics (formerly Invitae), Labcorp
Classification: Uncertain significance. Last evaluated: 2022-08-19. Review status: criteria provided, single submitter. Criteria: Invitae Variant Classification Sherloc (09022015). Collection method: clinical testing. Allele origin: germline.
Comment: This sequence change replaces threonine, which is neutral and polar, with arginine, which is basic and polar, at codon 284 of the POLR3A protein (p.Thr284Arg). This variant is not present in population databases (gnomAD no frequency). This variant has not been reported in the literature in individuals affected with POLR3A-related conditions. Algorithms developed to predict the effect of missense changes on protein structure and function are either unavailable or do not agree on the potential impact of this missense change (SIFT: "Deleterious"; PolyPhen-2: "Benign"; Align-GVGD: "Class C0"). In summary, the available evidence is currently insufficient to determine the role of this variant in disease. Therefore, it has been classified as a Variant of Uncertain Significance.

NM_007055.4(POLR3A):c.851C>G (p.Thr284Arg)

Gene: POLR3A (RNA polymerase III subunit A; minus strand). Cytogenetic location: 10q22.3.
Variant type: single nucleotide variant.
Coding change: c.851C>G on transcript NM_007055.4 (MANE Select); coding-DNA position 851, C replaced by G.
Protein change: p.Thr284Arg; replaces threonine 284 with arginine.
Molecular consequence: missense variant.
Genome position (GRCh38, 1-based): chr10:78,022,179, G>C on the plus strand (C>G on the coding strand, the complement: POLR3A is on the minus strand). VCF-style: chr10-78022179-G-C. GRCh37 (hg19) VCF-style: chr10-79781937-G-C.
Other names: c.851C>G (NM_007055.3); short protein forms T284R.
Identifiers: ClinVar variation 1941935 (VCV001941935.6), dbSNP rs1450135744, ClinGen allele CA377345103.
Genomic context (GRCh38, chr10:78,022,179, plus strand): 5'-CTTACAAGGAAATGGGAGGCACTGACCTTTTTAATAACATCGTTTAGGAAAATGATTTCT[G>C]TCAGTTTCATTGTCAGATCATCTTCATTGGTGCCAGACTTCAAATCACTCACAACGGAGG-3'
Protein context (NP_008986.2, residues 274-294): TNEDDLTMKL[Thr284Arg]EIIFLNDVIK